The following is an entry in ClinVar:

NM_003745.2(SOCS1):c.134_139dup (p.Val45_Pro46dup)

Gene: SOCS1 (suppressor of cytokine signaling 1; minus strand). Cytogenetic location: 16p13.13.
Variant type: Duplication.
Coding change: c.134_139dup on transcript NM_003745.2 (MANE Select); coding-DNA positions 134 to 139, 6 bases duplicated (TCCCGG; older notation c.134_139dupTCCCGG).
Protein change: p.Val45_Pro46dup.
Molecular consequence: inframe insertion.
Genome position (GRCh38, 1-based): chr16:11,255,340-11,255,345, CCGGGA duplicated on the plus strand (TCCCGG on the coding strand, the reverse complement: SOCS1 is on the minus strand); duplicating any 6 consecutive bases within chr16:11,255,340-11,255,348 gives the same sequence; the c. name uses the placement nearest the transcript's 3' end. VCF-style (leftmost placement, unchanged base first): chr16-11255339-G-GCCGGGA. GRCh37 (hg19) VCF-style: chr16-11349196-G-GCCGGGA.
Other names: c.134_139dup6 (NM_003745.1).
Identifiers: ClinVar variation 135271 (VCV000135271.26), dbSNP rs587778690, ClinGen allele CA162188.
Genomic context (GRCh38, chr16:11,255,339, plus strand): 5'-ATGCGCCGGTAATCGGCGTGCGAACGGAATGTGCGGAAGTGCGTGTCGCCGGGGGCCGGG[G>GCCGGGA]CCGGGACCGCGGGGCACGGCCGCGGGCGCGCGGGGGCCGCGGGCGAGGAGGAGGAAGAGG-3'

ClinVar aggregate classification (germline): Benign/Likely benign. Review status: criteria provided, multiple submitters, no conflicts (2 of 4 stars). 3 submissions from 3 submitters: Benign (1); Likely benign (1). 1 of the submissions does not count toward it. Last evaluated 2025-01-07.

Conditions:
SOCS1-related disorder. Also called: SOCS1-related condition.

Submissions (3):

PreventionGenetics, part of Exact Sciences
Classification: Likely benign for SOCS1-related condition. Last evaluated: 2025-01-07. Review status: criteria provided, single submitter. Criteria: ACMG Guidelines, 2015. Collection method: clinical testing. Allele origin: germline.
Comment: This variant is classified as likely benign based on ACMG/AMP sequence variant interpretation guidelines (Richards et al. 2015 PMID: 25741868, with internal and published modifications).

CeGaT Center for Human Genetics Tuebingen
Classification: Benign. Last evaluated: 2022-10-01. Review status: criteria provided, single submitter. Criteria: CeGaT Center For Human Genetics Tuebingen Variant Classification Criteria Version 2. Collection method: clinical testing. Allele origin: germline. Affected: yes. Observed: 3 variant alleles.
Comment: SOCS1: BS1, BS2

ITMI
No classification provided. Condition: AllHighlyPenetrant. Last evaluated: 2013-09-19. Review status: no classification provided. Collection method: reference population. Allele origin: germline. Not counted in ClinVar's aggregate classification.
Comment: Please see associated publication for description of ethnicities

Literature cited by the submitters: PubMed 24728327 (cited by ITMI).